The following is an entry in ClinVar:

ClinVar aggregate classification (germline): Uncertain significance (1 of 4 stars; one submission).

gnomAD v4.1: 9 of 1,613,844 alleles (0.00056%); highest among the groups gnomAD compares: African/African-American, 0.011%; no homozygotes.

Submission:

GeneDx
Classification: Uncertain significance. Last evaluated: 2025-04-22. Review status: criteria provided, single submitter. Criteria: GeneDx Variant Classification Process June 2021. Collection method: clinical testing. Allele origin: germline. Affected: yes.
Comment: Not observed at significant frequency in large population cohorts (gnomAD); In silico analysis supports that this missense variant has a deleterious effect on protein structure/function; Has not been previously published as pathogenic or benign to our knowledge

NM_001170535.3(ATAD3A):c.1415A>C (p.His472Pro)

Gene: ATAD3A (ATPase family AAA domain containing 3A; plus strand). Cytogenetic location: 1p36.33.
Variant type: single nucleotide variant.
Coding change: c.1415A>C on transcript NM_001170535.3 (MANE Select); coding-DNA position 1415, A replaced by C.
Protein change: p.His472Pro; replaces histidine 472 with proline.
Molecular consequence: missense variant.
Genome position (GRCh38, 1-based): chr1:1,527,772, A>C. VCF-style: chr1-1527772-A-C. GRCh37 (hg19) VCF-style: chr1-1463152-A-C.
Other names: c.1178A>C, p.His393Pro (NM_001170536.3); c.1559A>C, p.His520Pro (NM_018188.5); short protein forms H393P, H472P, H520P.
Identifiers: ClinVar variation 4527118 (VCV004527118.1).
Genomic context (GRCh38, chr1:1,527,772, plus strand): 5'-CCAGCAACCAACCAGAGCAGTTCGACTGGGCCATCAATGACCGCATCAATGAGATGGTCC[A>C]CTTCGACCTGCCAGGGCAGGAGGAACGGGAGCGCCTGGTGAGAATGTATTTTGACAAGTA-3'
Protein context (NP_001164006.1, residues 462-482): AINDRINEMV[His472Pro]FDLPGQEERE